The following is an entry in ClinVar:

NM_015378.4(VPS13D):c.12156T>A (p.His4052Gln)

Gene: VPS13D (vacuolar protein sorting 13 homolog D; plus strand). Cytogenetic location: 1p36.22.
Variant type: single nucleotide variant.
Coding change: c.12156T>A on transcript NM_015378.4 (MANE Select); coding-DNA position 12156, T replaced by A.
Protein change: p.His4052Gln; replaces histidine 4052 with glutamine.
Molecular consequence: missense variant.
Genome position (GRCh38, 1-based): chr1:12,415,212, T>A. VCF-style: chr1-12415212-T-A. GRCh37 (hg19) VCF-style: chr1-12475265-T-A.
Other names: c.12081T>A, p.His4027Gln (NM_018156.4); short protein forms H4052Q, H4027Q.
Identifiers: ClinVar variation 1962094 (VCV001962094.5), dbSNP rs147406998, ClinGen allele CA18066638.
Genomic context (GRCh38, chr1:12,415,212, plus strand): 5'-ATTCACTCGGGTACATCCCTATGAGACCAAGGAGTTCATCATCAATGATATCCTCAAACA[T>A]TTCCAGGAGGTGAGGCTTGGAGAAGTAATCATTGGCTGGAGCATAAGCAGAATGTTTGTT-3'
Protein context (NP_056193.2, residues 4042-4062): KEFIINDILK[His4052Gln]FQEELLSQAA

ClinVar aggregate classification (germline): Uncertain significance (1 of 4 stars; one submission).

gnomAD v4.1: 3 of 1,614,094 alleles (0.00019%); highest among the groups gnomAD compares: African/African-American, 0.0013%; no homozygotes.

Submission:

Labcorp Genetics (formerly Invitae), Labcorp
Classification: Uncertain significance. Last evaluated: 2022-09-26. Review status: criteria provided, single submitter. Criteria: Invitae Variant Classification Sherloc (09022015). Collection method: clinical testing. Allele origin: germline.
Comment: This sequence change replaces histidine, which is basic and polar, with glutamine, which is neutral and polar, at codon 4052 of the VPS13D protein (p.His4052Gln). This variant is not present in population databases (gnomAD no frequency). This variant has not been reported in the literature in individuals affected with VPS13D-related conditions. Advanced modeling of protein sequence and biophysical properties (such as structural, functional, and spatial information, amino acid conservation, physicochemical variation, residue mobility, and thermodynamic stability) performed at Invitae indicates that this missense variant is expected to disrupt VPS13D protein function. In summary, the available evidence is currently insufficient to determine the role of this variant in disease. Therefore, it has been classified as a Variant of Uncertain Significance.